The following is an entry in ClinVar:

NM_002476.2(MYL4):c.23C>T (p.Pro8Leu)

Gene: MYL4 (myosin light chain 4; plus strand). Cytogenetic location: 17q21.32.
Variant type: single nucleotide variant.
Coding change: c.23C>T on transcript NM_002476.2 (MANE Select); coding-DNA position 23, C replaced by T.
Protein change: p.Pro8Leu; replaces proline 8 with leucine.
Molecular consequence: missense variant.
Genome position (GRCh38, 1-based): chr17:47,209,445, C>T. VCF-style: chr17-47209445-C-T. GRCh37 (hg19) VCF-style: chr17-45286811-C-T.
Other names: c.23C>T, p.Pro8Leu (NM_001002841.2); short protein forms P8L.
Identifiers: ClinVar variation 476200 (VCV000476200.8), dbSNP rs957196759, ClinGen allele CA291221659.
Genomic context (GRCh38, chr17:47,209,445, plus strand): 5'-TTAGATCACTCCTCTGCCAAAGATCCCAACAAGACAACATGGCTCCCAAGAAGCCTGAGC[C>T]TAAGAAGGAGGCAGCCAAGCCAGCTCCAGCTCCAGCTCCAGCCCCTGCACCAGCCCCTGC-3'
Protein context (NP_002467.1, residues 1-18): MAPKKPE[Pro8Leu]KKEAAKPAPA

ClinVar aggregate classification (germline): Uncertain significance (1 of 4 stars; one submission).

Conditions:
Atrial fibrillation, familial, 18 (ATFB18). Identifiers: MedGen C4310636, MONDO:0015001, OMIM 617280.

Allele frequency attached by ClinVar (database versions not stated): gnomAD exomes below 0.00001 and 0.00001; TOPMed below 0.00001; gnomAD 0.00001.
gnomAD v4.1: 14 of 1,614,082 alleles (0.00087%); highest among the groups gnomAD compares: Non-Finnish European, 0.0012%; no homozygotes.

Submission:

Labcorp Genetics (formerly Invitae), Labcorp
Classification: Uncertain significance for Atrial fibrillation, familial, 18. Last evaluated: 2017-08-06. Review status: criteria provided, single submitter. Criteria: Invitae Variant Classification Sherloc (09022015). Collection method: clinical testing. Allele origin: germline.
Comment: In summary, this variant is a novel missense change with uncertain impact on protein function. It has been classified as a Variant of Uncertain Significance. Algorithms developed to predict the effect of missense changes on protein structure and function do not agree on the potential impact of this missense change (SIFT: "Deleterious"; PolyPhen-2: "Benign"; Align-GVGD: "Class C0"). This variant is not present in population databases (ExAC no frequency) and has not been reported in the literature in individuals with a MYL4-related disease. This sequence change replaces proline with leucine at codon 8 of the MYL4 protein (p.Pro8Leu). The proline residue is moderately conserved and there is a moderate physicochemical difference between proline and leucine.